The following is an entry in ClinVar:

ClinVar aggregate classification (germline): Likely benign. Review status: criteria provided, multiple submitters, no conflicts (2 of 4 stars). 2 submissions from 2 submitters: Likely benign (2). Last evaluated 2020-02-19.

Conditions:
Hereditary breast ovarian cancer syndrome. Also called: Hereditary breast and ovarian cancer syndrome; BRCA1- and BRCA2-Associated Hereditary Breast and Ovarian Cancer; Hereditary breast and/or ovarian cancer syndrome; Hereditary breast and ovarian cancer syndrome (HBOC); Breast and ovarian cancer; Hereditary breast and ovarian cancer. Identifiers: Orphanet 145, MedGen C0677776, MeSH D061325, MONDO:0003582. Disease mechanism: loss of function.

Allele frequency attached by ClinVar (database versions not stated): gnomAD exomes below 0.00001.
gnomAD v4.1: 2 of 1,609,928 alleles (0.00012%); highest among the groups gnomAD compares: Middle Eastern, 0.033%; no homozygotes.

Submissions (2):

Labcorp Genetics (formerly Invitae), Labcorp
Classification: Likely benign for Hereditary breast ovarian cancer syndrome. Last evaluated: 2020-02-19. Review status: criteria provided, single submitter. Criteria: Invitae Variant Classification Sherloc (09022015). Collection method: clinical testing. Allele origin: germline.

GeneDx
Classification: Likely benign. Last evaluated: 2018-01-12. Review status: criteria provided, single submitter. Criteria: GeneDx Variant Classification (06012015). Collection method: clinical testing. Allele origin: germline. Affected: yes.
Comment: This variant is considered likely benign or benign based on one or more of the following criteria: it is a conservative change, it occurs at a poorly conserved position in the protein, it is predicted to be benign by multiple in silico algorithms, and/or has population frequency not consistent with disease.

NM_007294.4(BRCA1):c.4097-8T>C

Gene: BRCA1 (BRCA1 DNA repair associated; minus strand). Cytogenetic location: 17q21.31.
Variant type: single nucleotide variant.
Coding change: c.4097-8T>C on transcript NM_007294.4 (MANE Select); 8 bases into the intron before coding-DNA position 4097, T replaced by C.
Molecular consequence: intron variant.
Genome position (GRCh38, 1-based): chr17:43,091,040, A>G on the plus strand (T>C on the coding strand, the complement: BRCA1 is on the minus strand). VCF-style: chr17-43091040-A-G. GRCh37 (hg19) VCF-style: chr17-41243057-A-G.
Other names: c.3974-8T>C (NM_001407682.1, NM_001407676.1, NM_001407863.1 and 19 more transcripts); c.671-8T>C (NM_001408423.1, NM_001408420.1, NM_001408419.1 and 2 more transcripts); c.788-8T>C (NM_001408404.1, NM_001408472.1, NM_001407990.1 and 17 more transcripts); c.1493-8T>C (NM_001407969.1, NM_001407968.1); c.4097-8T>C (NM_001407640.1, NM_001407626.1, NM_001407617.1 and 30 more transcripts); c.578-8T>C (NM_001408492.1, NM_001408513.1, NM_001408489.1 and 9 more transcripts); c.644-8T>C (NM_001408468.1, NM_001408465.1, NM_001408463.1 and 3 more transcripts); c.3953-8T>C (NM_001407842.1, NM_001407749.1, NM_001407846.1 and 20 more transcripts); and 41 more.
Identifiers: ClinVar variation 514894 (VCV000514894.19), dbSNP rs1555586287, ClinGen allele CA658798856.